The following is an entry in ClinVar:

ClinVar aggregate classification (germline): Likely benign. Review status: criteria provided, multiple submitters, no conflicts (2 of 4 stars). 2 submissions from 2 submitters: Likely benign (2). Last evaluated 2025-12-03.

Conditions:
Aicardi-Goutieres syndrome 6 (AGS6). Identifiers: Orphanet 51, MedGen C3539013, MONDO:0014007, OMIM 615010.
Symmetrical dyschromatosis of extremities (DSH). Also called: DYSCHROMATOSIS SYMMETRICA HEREDITARIA 1; RETICULATE ACROPIGMENTATION OF DOHI; SYMMETRIC DYSCHROMATOSIS OF THE EXTREMITIES; Dyschromatosis symmetrica hereditaria. Identifiers: Orphanet 41, MedGen C0406775, MONDO:0007483, OMIM 127400.

Allele frequency attached by ClinVar (database versions not stated): gnomAD exomes 0.00001 and 0.00003; gnomAD 0.00004 and 0.00005; ExAC 0.00005; TOPMed 0.00006.
gnomAD v4.1: 30 of 1,614,062 alleles (0.0019%); highest among the groups gnomAD compares: Admixed American, 0.0033%; no homozygotes.

Submissions (2):

Mayo Clinic Laboratories, Mayo Clinic
Classification: Likely benign. Last evaluated: 2025-12-03. Review status: criteria provided, single submitter. Criteria: ACMG Guidelines, 2015. Collection method: clinical testing. Allele origin: germline. Observed: 1 variant allele.
Comment: BP4, BP7

Labcorp Genetics (formerly Invitae), Labcorp
Classification: Likely benign for Aicardi-Goutieres syndrome 6; Symmetrical dyschromatosis of extremities. Last evaluated: 2025-02-03. Review status: criteria provided, single submitter. Criteria: Invitae Variant Classification Sherloc (09022015). Collection method: clinical testing. Allele origin: germline.

NM_001111.5(ADAR):c.1137A>C (p.Ala379=)

Gene: ADAR (adenosine deaminase RNA specific; minus strand). Cytogenetic location: 1q21.3.
Variant type: single nucleotide variant.
Coding change: c.1137A>C on transcript NM_001111.5 (MANE Select); coding-DNA position 1137, A replaced by C.
Protein change: p.Ala379=; no amino-acid change (alanine 379 retained).
Molecular consequence: synonymous variant.
Genome position (GRCh38, 1-based): chr1:154,601,505, T>G on the plus strand (A>C on the coding strand, the complement: ADAR is on the minus strand). VCF-style: chr1-154601505-T-G. GRCh37 (hg19) VCF-style: chr1-154573981-T-G.
Other names: p.Ala379=; c.252A>C, p.Ala84= (NM_001025107.3, NM_001193495.2, NM_001365046.1 and 3 more transcripts); c.1164A>C, p.Ala388= (NM_001365045.1); c.1137A>C, p.Ala379= (NM_015840.4, NM_015841.4).
Identifiers: ClinVar variation 1531021 (VCV001531021.9), dbSNP rs757766736, ClinGen allele CA1131582.